The following is an entry in ClinVar:

NM_000277.3(PAH):c.1238G>A (p.Arg413His)

Gene: PAH (phenylalanine hydroxylase; minus strand). Cytogenetic location: 12q23.2.
Variant type: single nucleotide variant.
Coding change: c.1238G>A on transcript NM_000277.3 (MANE Select); coding-DNA position 1238, G replaced by A.
Protein change: p.Arg413His; replaces arginine 413 with histidine.
Molecular consequence: missense variant.
Genome position (GRCh38, 1-based): chr12:102,840,477, C>T on the plus strand (G>A on the coding strand, the complement: PAH is on the minus strand). VCF-style: chr12-102840477-C-T. GRCh37 (hg19) VCF-style: chr12-103234255-C-T.
Other names: c.1238G>A (NM_000277.2); c.1238G>A, p.Arg413His (NM_001354304.2); short protein forms R413H.
Identifiers: ClinVar variation 940659 (VCV000940659.15), dbSNP rs79931499, ClinGen allele CA6748707.

ClinVar aggregate classification (germline): Conflicting classifications of pathogenicity. Review status: criteria provided, conflicting classifications (1 of 4 stars). 4 submissions from 4 submitters: Pathogenic (2); Likely pathogenic (1); Uncertain significance (1). Last evaluated 2025-11-25.

Conditions:
Phenylketonuria (PKU). Also called: OLIGOPHRENIA PHENYLPYRUVICA; Phenylketonurias; Phenylketonuria (PKU); FOLLING DISEASE. Identifiers: Orphanet 716, MedGen C0031485, MONDO:0009861, OMIM 261600. Disease mechanism: loss of function.

Allele frequency attached by ClinVar (database versions not stated): gnomAD 0.00004 and 0.00005; 1000 Genomes Project 30x 0.00047; TOPMed 0.00002; 1000 Genomes Project 0.00060.

Submissions (4):

Myriad Genetics, Inc.
Classification: Uncertain significance for Phenylketonuria. Last evaluated: 2025-11-25. Review status: criteria provided, single submitter. Criteria: Myriad Autosomal Dominant, Autosomal Recessive and X-Linked Classification Criteria (2023). Collection method: clinical testing. Allele origin: unknown.
Comment: NM_000277.1(PAH):c.1238G>A(R413H) is a missense variant classified as a variant of uncertain significance in the context of phenylalanine hydroxylase deficiency. R413H has been observed in cases with relevant disease (PMID: 30459323, 34828281, 38105685, 35952926). Relevant functional assessments of this variant are not available in the literature. R413H has been observed in referenced population frequency databases. In summary, there is insufficient evidence to classify NM_000277.1(PAH):c.1238G>A(R413H) as pathogenic or benign. Please note: this variant was assessed in the context of healthy population screening.

Natera, Inc.
Classification: Likely pathogenic for Phenylketonuria. Last evaluated: 2025-11-06. Review status: criteria provided, single submitter. Criteria: Natera Variant Classification Schema (03/2026). Collection method: clinical testing. Allele origin: germline.
Comment: The c.1238G>A variant in PAH is a missense variant predicted to cause substitution of arginine to histidine at amino acid 413. This variant is rare in the general population with a frequency below the threshold expected for the associated phenotype(s). This variant has been observed in one or more individuals affected with the associated recessive disease, as either homozygous or compound heterozygous with a second variant (PMID: 30459323, 34828281, 35952926). A different variant at the same position has been determined to be Pathogenic or Likely Pathogenic. Given the available evidence, this variant is classified as Likely Pathogenic.

Labcorp Genetics (formerly Invitae), Labcorp
Classification: Pathogenic for Phenylketonuria. Last evaluated: 2025-11-03. Review status: criteria provided, single submitter. Criteria: Invitae Variant Classification Sherloc (09022015). Collection method: clinical testing. Allele origin: germline.
Comment: This sequence change replaces arginine, which is basic and polar, with histidine, which is basic and polar, at codon 413 of the PAH protein (p.Arg413His). This variant is present in population databases (rs79931499, gnomAD 0.03%). This missense change has been observed in individual(s) with hyperphenylalaninemia (PMID: 30459323). ClinVar contains an entry for this variant (Variation ID: 940659). Invitae Evidence Modeling of protein sequence and biophysical properties (such as structural, functional, and spatial information, amino acid conservation, physicochemical variation, residue mobility, and thermodynamic stability) indicates that this missense variant is not expected to disrupt PAH protein function with a negative predictive value of 80%. This variant disrupts the p.Arg413 amino acid residue in PAH. Other variant(s) that disrupt this residue have been determined to be pathogenic (PMID: 17935162, 21953985, 24401910, 27264808). This suggests that this residue is clinically significant, and that variants that disrupt this residue are likely to be disease-causing. For these reasons, this variant has been classified as Pathogenic.

Women's Health and Genetics/Laboratory Corporation of America, LabCorp
Classification: Pathogenic for Phenylketonuria. Last evaluated: 2025-07-21. Review status: criteria provided, single submitter. Criteria: LabCorp Variant Classification Summary - May 2015. Collection method: clinical testing. Allele origin: germline.
Comment: Variant summary: PAH c.1238G>A (p.Arg413His) results in a non-conservative amino acid change in the encoded protein sequence. Algorithms developed to predict the effect of missense changes on protein structure and function all suggest that this variant is likely to be disruptive. The variant allele was found at a frequency of 5.6e-05 in 251440 control chromosomes. This frequency is not significantly higher than estimated for a pathogenic variant in PAH causing Phenylalanine Hydroxylase Deficiency (Phenylketonuria) (5.6e-05 vs 0.0079), allowing no conclusion about variant significance. c.1238G>A has been observed in individual(s) affected with Phenylalanine Hydroxylase Deficiency (Phenylketonuria) (example: Chen_2018, Vela-Amieva_2021, Lin_2022). These data indicate that the variant is likely to be associated with disease. A different variant affecting the same codon has been classified as pathogenic by our lab (c.1238G>C, p.Arg413Pro), supporting the critical relevance of codon 413 to PAH protein function. The following publications have been ascertained in the context of this evaluation (PMID: 30459323, 32668217, 35952926, 34828281). ClinVar contains an entry for this variant (Variation ID: 940659). Based on the evidence outlined above, the variant was classified as pathogenic.

Literature cited by the submitters: PubMed 30459323 (cited by 4 submitters); PubMed 34828281 (cited by 3 submitters); PubMed 35952926 (cited by 3 submitters); PubMed 38105685 (cited by Myriad Genetics, Inc.); PubMed 17935162 (cited by Labcorp Genetics (formerly Invitae), Labcorp); PubMed 21953985 (cited by Labcorp Genetics (formerly Invitae), Labcorp); PubMed 24401910 (cited by Labcorp Genetics (formerly Invitae), Labcorp); PubMed 27264808 (cited by Labcorp Genetics (formerly Invitae), Labcorp); PubMed 32668217 (cited by Women's Health and Genetics/Laboratory Corporation of America, LabCorp).